The following is an entry in ClinVar:

NM_020987.5(ANK3):c.685G>A (p.Asp229Asn)

Gene: ANK3 (ankyrin 3; minus strand). Cytogenetic location: 10q21.2.
Variant type: single nucleotide variant.
Coding change: c.685G>A on transcript NM_020987.5 (MANE Select); coding-DNA position 685, G replaced by A.
Protein change: p.Asp229Asn; replaces aspartic acid 229 with asparagine.
Molecular consequence: missense variant.
Genome position (GRCh38, 1-based): chr10:60,263,849, C>T on the plus strand (G>A on the coding strand, the complement: ANK3 is on the minus strand). VCF-style: chr10-60263849-C-T. GRCh37 (hg19) VCF-style: chr10-62023607-C-T.
Other names: c.667G>A, p.Asp223Asn (NM_001204403.2); c.634G>A, p.Asp212Asn (NM_001204404.2); c.685G>A, p.Asp229Asn (NM_001320874.2); short protein forms D212N, D223N, D229N.
Identifiers: ClinVar variation 4531494 (VCV004531494.1).
Genomic context (GRCh38, chr10:60,263,849, plus strand): 5'-TAACACCGGAGAGTTGCATGACAGGCCCGTGTCCCTCGTGCCTCACCTTTGATTCCACAT[C>T]TGCATTGTTGTCATTCTGCAGCAGCAGGGCGGCGGCTTTCGTGTCGTCTTTTCGGGCCGC-3'
Protein context (NP_066267.2, residues 219-239): ALLLQNDNNA[Asp229Asn]VESKSGFTPL

ClinVar aggregate classification (germline): Uncertain significance (1 of 4 stars; one submission).

Conditions:
Neurodevelopmental disorder. Identifiers: MedGen C1535926, MeSH D065886, MONDO:0700092.

Submission:

Victorian Clinical Genetics Services, Murdoch Childrens Research Institute
Classification: Uncertain significance for Neurodevelopmental disorder. Last evaluated: 2025-05-28. Review status: criteria provided, single submitter. Criteria: ACMG Guidelines, 2015. Collection method: clinical testing. Allele origin: germline. Affected: yes.
Comment: This variant is classified as VUS-3B. Evidence in support of pathogenic classification: Variant is absent from gnomAD (v2, v3 and v4). Additional information: Variant is predicted to result in a missense amino acid change from aspartic acid to asparagine; This variant is heterozygous; This gene is associated with both recessive and dominant disease (PMID: 38988293); This variant has no previous evidence of pathogenicity; No published segregation evidence has been identified for this variant; No published functional evidence has been identified for this variant; No comparable missense variants have previous evidence for pathogenicity; Variant is located in the annotated ankyrin repeat domain (DECIPHER); Missense variant with inconclusive in silico prediction and uninformative conservation; Loss of function is a known mechanism of disease in this gene and is associated with neurodevelopmental disorder (MONDO:0700092), ANK3-related.

Literature cited by the submitters: PubMed 38988293.